The following is an entry in ClinVar:

NM_000059.4(BRCA2):c.8153T>C (p.Ile2718Thr)

Gene: BRCA2 (BRCA2 DNA repair associated; plus strand). Cytogenetic location: 13q13.1.
Variant type: single nucleotide variant.
Coding change: c.8153T>C on transcript NM_000059.4 (MANE Select); coding-DNA position 8153, T replaced by C.
Protein change: p.Ile2718Thr; replaces isoleucine 2718 with threonine.
Molecular consequence: missense variant.
Genome position (GRCh38, 1-based): chr13:32,363,355, T>C. VCF-style: chr13-32363355-T-C. GRCh37 (hg19) VCF-style: chr13-32937492-T-C.
Other names: 8381T>C; short protein forms I2718T.
Identifiers: ClinVar variation 38140 (VCV000038140.29), dbSNP rs80359060, ClinGen allele CA025473.

ClinVar aggregate classification (germline): Conflicting classifications of pathogenicity. Review status: criteria provided, conflicting classifications (1 of 4 stars). 12 submissions from 12 submitters: Uncertain significance (5); Likely benign (3). 4 of the submissions do not count toward it. Last evaluated 2026-01-18.

Conditions:
BRCA2-related cancer predisposition. Identifiers: MedGen CN377758, MONDO:0700269.
Hereditary cancer-predisposing syndrome. Also called: Neoplastic Syndromes, Hereditary; Hereditary neoplastic syndrome; Tumor predisposition; Hereditary Cancer Syndrome. Identifiers: Orphanet 140162, MedGen C0027672, MeSH D009386, MONDO:0015356.
Hereditary breast ovarian cancer syndrome. Also called: Hereditary breast and ovarian cancer; Hereditary breast and ovarian cancer syndrome (HBOC); Hereditary breast and ovarian cancer syndrome; Breast and ovarian cancer; Hereditary breast and/or ovarian cancer syndrome; BRCA1- and BRCA2-Associated Hereditary Breast and Ovarian Cancer. Identifiers: Orphanet 145, MedGen C0677776, MeSH D061325, MONDO:0003582. Disease mechanism: loss of function.
Breast-ovarian cancer, familial, susceptibility to, 2 (BROVCA2). Also called: BRCA2 Hereditary Breast and Ovarian Cancer. Identifiers: Orphanet 145, MedGen C2675520, MONDO:0012933, OMIM 612555. Disease mechanism: loss of function.

Allele frequency attached by ClinVar (database versions not stated): gnomAD exomes 0.00001; gnomAD 0.00001; TOPMed below 0.00001; ExAC 0.00001.
gnomAD v4.1: 10 of 1,614,022 alleles (0.00062%); highest among the groups gnomAD compares: Admixed American, 0.012%; no homozygotes.

Submissions (12):

Labcorp Genetics (formerly Invitae), Labcorp
Classification: Likely benign for Hereditary breast ovarian cancer syndrome. Last evaluated: 2026-01-18. Review status: criteria provided, single submitter. Criteria: Invitae Variant Classification Sherloc (09022015). Collection method: clinical testing. Allele origin: germline.

Molecular Diagnostics Laboratory, Catalan Institute of Oncology
Classification: Uncertain significance for Hereditary cancer-predisposing syndrome. Last evaluated: 2025-08-06. Review status: criteria provided, single submitter. Criteria: ClinGen BRCA1BRCA2 ACMG Specifications BRCA2 V1.0.0. Collection method: clinical testing. Allele origin: germline.
Comment: BP4 c.8153T>C, located in exon 18 of the BRCA2 gene, is predicted to result in the substitution of isoleucine with threonine at codon 2718, p.(Ile2718Thr). This variant is found in 2/268106 alleles at a frequency of 0.0008% in the gnomAD v2.1.1 database, non-cancer dataset. It is located in a (potentially) clinically important functional domain of the gene, but the SpliceAI algorithm predicts no significant impact on splicing and the BayesDel_noAF predictor score for this variant (-0.215) suggests that it does not affect the protein function (BP4). To our knowledge, neither relevant clinical data nor well-established functional studies have been reported for this variant. In addition, it was also identified in the following databases: BRCA Exchange (VUS: insufficient evidence), ClinVar (3x likely benign, 6x uncertain significance) and LOVD (2x uncertain significance). Based on the currently available evidence, c.8153T>C is classified as an uncertain significance variant according to ClinGen-BRCA2 Guidelines v.1.0.0.

Ambry Genetics
Classification: Likely benign for Hereditary cancer-predisposing syndrome. Last evaluated: 2025-05-08. Review status: criteria provided, single submitter. Criteria: Ambry Variant Classification Scheme 2023. Collection method: clinical testing. Allele origin: germline.

Dasa
Classification: Uncertain significance for Breast-ovarian cancer, familial, susceptibility to, 2. Last evaluated: 2025-02-25. Review status: criteria provided, single submitter. Criteria: DASA Assertion Criteria. Collection method: clinical testing. Allele origin: germline.
Comment: NM_000059.4(BRCA2):c.8153T>C (p.Ile2718Thr) is a missense variant that results in the substitution of isoleucine with threonine. The affected residue or protein region has prior evidence supporting clinical relevance. This variant is rare in population databases. Computational prediction algorithms are consistent with a benign effect. The currently available literature and clinical evidence are not sufficient to establish a definitive association between this variant and the reported condition. Therefore, this variant is classified as a variant of uncertain significance.

Color Diagnostics, LLC DBA Color Health
Classification: Likely benign for Hereditary cancer-predisposing syndrome. Last evaluated: 2024-10-29. Review status: criteria provided, single submitter. Criteria: ACMG Guidelines, 2015. Collection method: clinical testing. Allele origin: germline.

All of Us Research Program, National Institutes of Health
Classification: Uncertain significance for BRCA2-related cancer predisposition. Last evaluated: 2024-03-24. Review status: criteria provided, single submitter. Criteria: ACMG Guidelines, 2015. Collection method: clinical testing. Allele origin: germline. Inheritance: Autosomal dominant inheritance. Observed: 1 variant allele, 1 heterozygote.
Comment: This missense variant replaces isoleucine with threonine at codon 2718 of the BRCA2 protein. Computational prediction suggests that this variant may not impact protein structure and function (internally defined REVEL score threshold <= 0.5, PMID: 27666373). To our knowledge, functional studies have not been reported for this variant. This variant has been reported in 14 individuals affected with breast cancer, however, it is described as a polymorphism and the status of covariants was not provided (PMID: 20859677, 23096355). This variant has been identified in 2/251248 chromosomes in the general population by the Genome Aggregation Database (gnomAD). The available evidence is insufficient to determine the role of this variant in disease conclusively. Therefore, this variant is classified as a Variant of Uncertain Significance.

This study involves interpretation of variants in research participants for the purpose of population health screening. Participant phenotype was not available at the time of variant classification. Additional details can be found in publication PMID: 35346344, PMCID: PMC8962531

GeneDx
Classification: Uncertain significance. Last evaluated: 2022-11-01. Review status: criteria provided, single submitter. Criteria: GeneDx Variant Classification Process June 2021. Collection method: clinical testing. Allele origin: germline. Affected: yes.
Comment: Observed in individuals with breast cancer (Gonzalez-Hormazabal et al., 2011; Lara K et al., 2012; Alvarez et al., 2017); Not observed at significant frequency in large population cohorts (gnomAD); In silico analysis supports that this missense variant does not alter protein structure/function; Also known as 8381T>C; This variant is associated with the following publications: (PMID: 29088781, 19043619, 23096355, 20859677, 12228710, 32377563, 29884841)

Mendelics
Classification: Uncertain significance for Breast-ovarian cancer, familial, susceptibility to, 2. Last evaluated: 2019-05-28. Review status: criteria provided, single submitter. Criteria: Mendelics Assertion Criteria 2017. Collection method: clinical testing. Allele origin: unknown.

BRCAlab, Lund University
Classification: Uncertain significance for Breast-ovarian cancer, familial, susceptibility to, 2. Last evaluated: 2020-03-02. Review status: no assertion criteria provided. Collection method: clinical testing. Allele origin: germline. Affected: yes. Not counted in ClinVar's aggregate classification.

Counsyl
Classification: Uncertain significance for Breast-ovarian cancer, familial, susceptibility to, 2. Last evaluated: 2018-05-08. Review status: no assertion criteria provided. Collection method: clinical testing. Allele origin: unknown. Not counted in ClinVar's aggregate classification.

Sharing Clinical Reports Project (SCRP)
Classification: Uncertain significance for Breast-ovarian cancer, familial 2. Last evaluated: 2010-05-12. Review status: no assertion criteria provided. Collection method: clinical testing. Allele origin: germline. Not counted in ClinVar's aggregate classification.

Breast Cancer Information Core (BIC) (BRCA2)
Classification: Uncertain significance for Breast-ovarian cancer, familial 2. Last evaluated: 2003-12-23. Review status: no assertion criteria provided. Collection method: clinical testing. Allele origin: germline. Affected: yes. Observed: 2 variant alleles. Not counted in ClinVar's aggregate classification.

Literature cited by the submitters: PubMed 19043619 (cited by Ambry Genetics); PubMed 20859677 (cited by 3 submitters); PubMed 23096355 (cited by 3 submitters); PubMed 29088781 (cited by Ambry Genetics and Counsyl).